The following is an entry in ClinVar:

ClinVar aggregate classification (germline): Uncertain significance (1 of 4 stars; one submission).

Conditions:
Neuropathy, hereditary sensory, type 2C. Also called: KIF1A-Related HSAN2 (HSAN2C); Hereditary sensory and autonomic neuropathy type IIC. Identifiers: Orphanet 970, MedGen C3280168, MONDO:0013634, OMIM 614213.
Hereditary spastic paraplegia 30. Identifiers: Orphanet 101010, MedGen C5235139, MONDO:0012476.
Intellectual disability, autosomal dominant 9 (NESCAVS). Also called: NESCAV SYNDROME; KIF1A-Related Neurodevelopmental Disorder. Identifiers: Orphanet 662367, MedGen C5393830, MONDO:0013656, OMIM 614255.

Submission:

Labcorp Genetics (formerly Invitae), Labcorp
Classification: Uncertain significance for Hereditary spastic paraplegia 30; Neuropathy, hereditary sensory, type 2C; Intellectual disability, autosomal dominant 9. Last evaluated: 2023-05-31. Review status: criteria provided, single submitter. Criteria: Invitae Variant Classification Sherloc (09022015). Collection method: clinical testing. Allele origin: germline.
Comment: In summary, the available evidence is currently insufficient to determine the role of this variant in disease. Therefore, it has been classified as a Variant of Uncertain Significance. Advanced modeling of protein sequence and biophysical properties (such as structural, functional, and spatial information, amino acid conservation, physicochemical variation, residue mobility, and thermodynamic stability) has been performed at Invitae for this missense variant, however the output from this modeling did not meet the statistical confidence thresholds required to predict the impact of this variant on KIF1A protein function. This variant has not been reported in the literature in individuals affected with KIF1A-related conditions. This variant is not present in population databases (gnomAD no frequency). This sequence change replaces tyrosine, which is neutral and polar, with histidine, which is basic and polar, at codon 658 of the KIF1A protein (p.Tyr658His).

NM_001244008.2(KIF1A):c.1999T>C (p.Tyr667His)

Gene: KIF1A (kinesin family member 1A; minus strand). Cytogenetic location: 2q37.3.
Variant type: single nucleotide variant.
Coding change: c.1999T>C on transcript NM_001244008.2 (MANE Select); coding-DNA position 1999, T replaced by C.
Protein change: p.Tyr667His; replaces tyrosine 667 with histidine.
Molecular consequence: missense variant.
Genome position (GRCh38, 1-based): chr2:240,763,042, A>G on the plus strand (T>C on the coding strand, the complement: KIF1A is on the minus strand). VCF-style: chr2-240763042-A-G. GRCh37 (hg19) VCF-style: chr2-241702459-A-G.
Other names: c.1999T>C, p.Tyr667His (NM_001320705.2, NM_001330289.2, NM_001379638.1); c.2074T>C, p.Tyr692His (NM_001330290.2, NM_001379631.1, NM_001379634.1 and 2 more transcripts); c.1972T>C, p.Tyr658His (NM_001379632.1, NM_001379633.1, NM_001379636.1 and 11 more transcripts); c.2047T>C, p.Tyr683His (NM_001379637.1, NM_001379648.1); short protein forms Y658H, Y667H, Y683H, Y692H.
Identifiers: ClinVar variation 2948403 (VCV002948403.3), dbSNP rs2537664828, ClinGen allele CA351326594.